The following is an entry in ClinVar:

ClinVar aggregate classification (germline): Uncertain significance (1 of 4 stars; one submission).

Conditions:
Mowat-Wilson syndrome (MOWS). Also called: Classic Mowat-Wilson Syndrome. Identifiers: Orphanet 2152, MedGen C1856113, MONDO:0009341, OMIM 235730.

Submission:

Labcorp Genetics (formerly Invitae), Labcorp
Classification: Uncertain significance for Mowat-Wilson syndrome. Last evaluated: 2023-01-16. Review status: criteria provided, single submitter. Criteria: Invitae Variant Classification Sherloc (09022015). Collection method: clinical testing. Allele origin: germline.
Comment: This variant is not present in population databases (gnomAD no frequency). This sequence change affects codon 111 of the ZEB2 mRNA. It is a 'silent' change, meaning that it does not change the encoded amino acid sequence of the ZEB2 protein. This variant has not been reported in the literature in individuals affected with ZEB2-related conditions. In summary, the available evidence is currently insufficient to determine the role of this variant in disease. Therefore, it has been classified as a Variant of Uncertain Significance. Algorithms developed to predict the effect of sequence changes on RNA splicing suggest that this variant may disrupt the consensus splice site.

NM_014795.4(ZEB2):c.333A>G (p.Glu111=)

Gene: ZEB2 (zinc finger E-box binding homeobox 2; minus strand). Cytogenetic location: 2q22.3.
Variant type: single nucleotide variant.
Coding change: c.333A>G on transcript NM_014795.4 (MANE Select); coding-DNA position 333, A replaced by G.
Protein change: p.Glu111=; no amino-acid change (glutamic acid 111 retained).
Molecular consequence: synonymous variant. On other transcripts: intron variant (1).
Genome position (GRCh38, 1-based): chr2:144,424,866, T>C on the plus strand (A>G on the coding strand, the complement: ZEB2 is on the minus strand). VCF-style: chr2-144424866-T-C. GRCh37 (hg19) VCF-style: chr2-145182433-T-C.
Other names: c.331+4903A>G (NM_001171653.2).
Identifiers: ClinVar variation 2829154 (VCV002829154.3), dbSNP rs2549118588, ClinGen allele CA348717563.